The following is an entry in ClinVar:

ClinVar aggregate classification (germline): Likely pathogenic (1 of 4 stars; one submission).

Conditions:
Dilated cardiomyopathy 1BB (CMD1BB). Also called: CARDIOMYOPATHY, DILATED, 1BB, SUSCEPTIBILITY TO. Identifiers: Orphanet 154, MedGen C2752072, MONDO:0013030, OMIM 612877.

Submission:

MVZ Medizinische Genetik Mainz
Classification: Likely pathogenic for Dilated cardiomyopathy 1BB. Last evaluated: 2026-03-16. Review status: criteria provided, single submitter. Criteria: UK Practice Guidelines For Variant Classification V4 01 2020. Collection method: clinical testing. Allele origin: germline. Inheritance: Autosomal recessive inheritance. Affected: yes. Observed: 1 variant allele.
Comment: ACMG Criteria: PVS1_STR,PM2_SUP,PM3_SUP

NM_001943.5(DSG2):c.2349C>G (p.Tyr783Ter)

Genes: DSG2 (desmoglein 2; plus strand), DSG2-AS1 (DSG2 antisense RNA 1; minus strand). Cytogenetic location: 18q12.1.
Variant type: single nucleotide variant.
Coding change: c.2349C>G on transcript NM_001943.5 (MANE Select); coding-DNA position 2349, C replaced by G.
Protein change: p.Tyr783Ter; replaces tyrosine 783 with a stop codon.
Molecular consequence: nonsense.
Genome position (GRCh38, 1-based): chr18:31,545,735, C>G. VCF-style: chr18-31545735-C-G. GRCh37 (hg19) VCF-style: chr18-29125698-C-G.
Other names: short protein forms Y783*.
Identifiers: ClinVar variation 4849207 (VCV004849207.1).